The following is an entry in ClinVar:

ClinVar aggregate classification (germline): Uncertain significance (1 of 4 stars; one submission).

Allele frequency attached by ClinVar (database versions not stated): gnomAD 0.00001.
gnomAD v4.1: 5 of 1,613,996 alleles (0.00031%); highest among the groups gnomAD compares: Admixed American, 0.005%; no homozygotes.

Submission:

Labcorp Genetics (formerly Invitae), Labcorp
Classification: Uncertain significance. Last evaluated: 2022-07-27. Review status: criteria provided, single submitter. Criteria: Invitae Variant Classification Sherloc (09022015). Collection method: clinical testing. Allele origin: germline.
Comment: This sequence change replaces threonine, which is neutral and polar, with lysine, which is basic and polar, at codon 108 of the MCM3AP protein (p.Thr108Lys). This variant is present in population databases (no rsID available, gnomAD no frequency). This variant has not been reported in the literature in individuals affected with MCM3AP-related conditions. Algorithms developed to predict the effect of missense changes on protein structure and function (SIFT, PolyPhen-2, Align-GVGD) all suggest that this variant is likely to be tolerated. In summary, the available evidence is currently insufficient to determine the role of this variant in disease. Therefore, it has been classified as a Variant of Uncertain Significance.

NM_003906.5(MCM3AP):c.323C>A (p.Thr108Lys)

Gene: MCM3AP (minichromosome maintenance complex component 3 associated protein; minus strand). Cytogenetic location: 21q22.3.
Variant type: single nucleotide variant.
Coding change: c.323C>A on transcript NM_003906.5 (MANE Select); coding-DNA position 323, C replaced by A.
Protein change: p.Thr108Lys; replaces threonine 108 with lysine.
Molecular consequence: missense variant.
Genome position (GRCh38, 1-based): chr21:46,284,964, G>T on the plus strand (C>A on the coding strand, the complement: MCM3AP is on the minus strand). VCF-style: chr21-46284964-G-T. GRCh37 (hg19) VCF-style: chr21-47704878-G-T.
Other names: short protein forms T108K.
Identifiers: ClinVar variation 2084664 (VCV002084664.1), dbSNP rs1482669418, ClinGen allele CA410537479.